The following is an entry in ClinVar:

NM_000222.3(KIT):c.1889A>G (p.His630Arg)

Gene: KIT (KIT proto-oncogene, receptor tyrosine kinase; plus strand). Cytogenetic location: 4q12.
Variant type: single nucleotide variant.
Coding change: c.1889A>G on transcript NM_000222.3 (MANE Select); coding-DNA position 1889, A replaced by G.
Protein change: p.His630Arg; replaces histidine 630 with arginine.
Molecular consequence: missense variant.
Genome position (GRCh38, 1-based): chr4:54,728,020, A>G. VCF-style: chr4-54728020-A-G. GRCh37 (hg19) VCF-style: chr4-55594186-A-G.
Other names: c.1877A>G, p.His626Arg (NM_001093772.2, NM_001385286.1); c.1892A>G, p.His631Arg (NM_001385284.1, NM_001385290.1); c.1889A>G, p.His630Arg (NM_001385285.1); c.1880A>G, p.His627Arg (NM_001385288.1, NM_001385292.1); short protein forms H630R, H626R, H627R, H631R.
Identifiers: ClinVar variation 409727 (VCV000409727.17), dbSNP rs373554876, ClinGen allele CA2923607.

ClinVar aggregate classification (germline): Conflicting classifications of pathogenicity. Review status: criteria provided, conflicting classifications (1 of 4 stars). 7 submissions from 5 submitters: Uncertain significance (6); Likely benign (1). Last evaluated 2026-05-27.

Conditions:
Hereditary cancer-predisposing syndrome. Also called: Neoplastic Syndromes, Hereditary; Hereditary Cancer Syndrome; Hereditary neoplastic syndrome; Tumor predisposition. Identifiers: Orphanet 140162, MedGen C0027672, MeSH D009386, MONDO:0015356.
Mastocytosis. Also called: Mast Cell Disease. Identifiers: Orphanet 98292, MedGen C0024899, MONDO:0007950, HP:0100495.
Gastrointestinal stromal tumor. Also called: Gastrointestinal stroma tumor; Gastrointestinal stromal tumor, somatic. Identifiers: Orphanet 44890, MedGen C0238198, MeSH D046152, MONDO:0011719, OMIM 606764, HP:0100723.
Piebaldism. Also called: Piebald skin depigmentation. Identifiers: Orphanet 2884, MedGen C0080024, MONDO:0008244, OMIM 172800, HP:0007544.

Allele frequency attached by ClinVar (database versions not stated): gnomAD 0.00001; TOPMed 0.00001; gnomAD exomes 0.00002 and 0.00003; ExAC 0.00003; ESP Exome Variant Server 0.00008.
gnomAD v4.1: 25 of 1,613,844 alleles (0.0015%); highest among the groups gnomAD compares: Middle Eastern, 0.049%; no homozygotes.

Submissions (7):

Myriad Genetics, Inc.
Classification: Likely benign for Gastrointestinal stromal tumor. Last evaluated: 2026-05-27. Review status: criteria provided, single submitter. Criteria: Myriad Autosomal Dominant, Autosomal Recessive and X-Linked Classification Criteria (2023). Collection method: clinical testing. Allele origin: unknown.
Comment: This variant is considered likely benign. This variant has been observed at a population frequency that is significantly greater than expected given the associated disease prevalence and penetrance.

Labcorp Genetics (formerly Invitae), Labcorp
Classification: Uncertain significance for Gastrointestinal stromal tumor. Last evaluated: 2025-12-15. Review status: criteria provided, single submitter. Criteria: Invitae Variant Classification Sherloc (09022015). Collection method: clinical testing. Allele origin: germline.
Comment: This sequence change replaces histidine, which is basic and polar, with arginine, which is basic and polar, at codon 630 of the KIT protein (p.His630Arg). This variant is present in population databases (rs373554876, gnomAD 0.005%). This variant has not been reported in the literature in individuals affected with KIT-related conditions. ClinVar contains an entry for this variant (Variation ID: 409727). An algorithm developed to predict the effect of missense changes on protein structure and function (PolyPhen-2) suggests that this variant is likely to be disruptive. In summary, the available evidence is currently insufficient to determine the role of this variant in disease. Therefore, it has been classified as a Variant of Uncertain Significance.

Ambry Genetics
Classification: Uncertain significance for Hereditary cancer-predisposing syndrome. Last evaluated: 2024-09-12. Review status: criteria provided, single submitter. Criteria: Ambry Variant Classification Scheme 2023. Collection method: clinical testing. Allele origin: germline.
Comment: The p.H630R variant (also known as c.1889A>G), located in coding exon 13 of the KIT gene, results from an A to G substitution at nucleotide position 1889. The histidine at codon 630 is replaced by arginine, an amino acid with highly similar properties. This amino acid position is highly conserved in available vertebrate species. In addition, the in silico prediction for this alteration is inconclusive. Based on the available evidence, the clinical significance of this variant remains unclear.

GeneDx
Classification: Uncertain significance. Last evaluated: 2023-11-29. Review status: criteria provided, single submitter. Criteria: GeneDx Variant Classification Process June 2021. Collection method: clinical testing. Allele origin: germline. Affected: yes.
Comment: In silico analysis supports that this missense variant has a deleterious effect on protein structure/function; Has not been previously published as pathogenic or benign to our knowledge; This variant is associated with the following publications: (PMID: 30019023)

Illumina Laboratory Services, Illumina
Classification: Uncertain significance for Piebaldism. Last evaluated: 2017-04-28. Review status: criteria provided, single submitter. Criteria: ICSL Variant Classification Criteria 13 December 2019. Collection method: clinical testing. Allele origin: germline.

Illumina Laboratory Services, Illumina
Classification: Uncertain significance for Gastrointestinal stromal tumor. Last evaluated: 2017-04-28. Review status: criteria provided, single submitter. Criteria: ICSL Variant Classification Criteria 13 December 2019. Collection method: clinical testing. Allele origin: germline.

Illumina Laboratory Services, Illumina
Classification: Uncertain significance for Cutaneous mastocytosis. Last evaluated: 2017-04-28. Review status: criteria provided, single submitter. Criteria: ICSL Variant Classification Criteria 13 December 2019. Collection method: clinical testing. Allele origin: germline.

Literature cited by the submitters: PubMed 30019023 (cited by Ambry Genetics).